The following is an entry in ClinVar:

NM_007254.4(PNKP):c.1006T>G (p.Phe336Val)

Gene: PNKP (polynucleotide kinase 3'-phosphatase; minus strand). Cytogenetic location: 19q13.33.
Variant type: single nucleotide variant.
Coding change: c.1006T>G on transcript NM_007254.4 (MANE Select); coding-DNA position 1006, T replaced by G.
Protein change: p.Phe336Val; replaces phenylalanine 336 with valine.
Molecular consequence: missense variant.
Genome position (GRCh38, 1-based): chr19:49,862,394, A>C on the plus strand (T>G on the coding strand, the complement: PNKP is on the minus strand). VCF-style: chr19-49862394-A-C. GRCh37 (hg19) VCF-style: chr19-50365651-A-C.
Other names: short protein forms F336V.
Identifiers: ClinVar variation 650619 (VCV000650619.11), dbSNP rs747297456, ClinGen allele CA9586664.

ClinVar aggregate classification (germline): Uncertain significance (1 of 4 stars; one submission).

Conditions:
Developmental and epileptic encephalopathy, 12 (DEE12). Identifiers: MedGen C3150988, MONDO:0013389, OMIM 613722.

Allele frequency attached by ClinVar (database versions not stated): ExAC below 0.00001.

Submission:

Labcorp Genetics (formerly Invitae), Labcorp
Classification: Uncertain significance for Developmental and epileptic encephalopathy, 12. Last evaluated: 2024-10-16. Review status: criteria provided, single submitter. Criteria: Invitae Variant Classification Sherloc (09022015). Collection method: clinical testing. Allele origin: germline.
Comment: This sequence change replaces phenylalanine, which is neutral and non-polar, with valine, which is neutral and non-polar, at codon 336 of the PNKP protein (p.Phe336Val). This variant is not present in population databases (gnomAD no frequency). This variant has not been reported in the literature in individuals affected with PNKP-related conditions. ClinVar contains an entry for this variant (Variation ID: 650619). Invitae Evidence Modeling of protein sequence and biophysical properties (such as structural, functional, and spatial information, amino acid conservation, physicochemical variation, residue mobility, and thermodynamic stability) indicates that this missense variant is not expected to disrupt PNKP protein function with a negative predictive value of 80%. In summary, the available evidence is currently insufficient to determine the role of this variant in disease. Therefore, it has been classified as a Variant of Uncertain Significance.